The following is an entry in ClinVar:

NM_030665.4(RAI1):c.5435C>T (p.Pro1812Leu)

Gene: RAI1 (retinoic acid induced 1; plus strand). Cytogenetic location: 17p11.2.
Variant type: single nucleotide variant.
Coding change: c.5435C>T on transcript NM_030665.4 (MANE Select); coding-DNA position 5435, C replaced by T.
Protein change: p.Pro1812Leu; replaces proline 1812 with leucine.
Molecular consequence: missense variant.
Genome position (GRCh38, 1-based): chr17:17,798,383, C>T. VCF-style: chr17-17798383-C-T. GRCh37 (hg19) VCF-style: chr17-17701697-C-T.
Other names: short protein forms P1812L.
Identifiers: ClinVar variation 1204491 (VCV001204491.12), dbSNP rs368733254, ClinGen allele CA8419157.

ClinVar aggregate classification (germline): Likely benign. Review status: criteria provided, multiple submitters, no conflicts (2 of 4 stars). 4 submissions from 4 submitters: Likely benign (3). 1 of the submissions does not count toward it. Last evaluated 2026-01-12.

Conditions:
RAI1-related disorder. Also called: RAI1-related condition.
Inborn genetic diseases. Identifiers: MedGen C0950123, MeSH D030342.

Allele frequency attached by ClinVar (database versions not stated): ExAC 0.00004; gnomAD exomes 0.00006 and 0.00002; gnomAD 0.00017 and 0.00016; ESP Exome Variant Server 0.00015.
gnomAD v4.1: 64 of 1,609,236 alleles (0.004%); highest among the groups gnomAD compares: African/African-American, 0.04%; 1 homozygote.

Submissions (4):

Labcorp Genetics (formerly Invitae), Labcorp
Classification: Likely benign. Last evaluated: 2026-01-12. Review status: criteria provided, single submitter. Criteria: Invitae Variant Classification Sherloc (09022015). Collection method: clinical testing. Allele origin: germline.

Ambry Genetics
Classification: Likely benign for Inborn genetic diseases. Last evaluated: 2023-11-20. Review status: criteria provided, single submitter. Criteria: Ambry Variant Classification Scheme 2023. Collection method: clinical testing. Allele origin: germline.

GeneDx
Classification: Likely benign. Last evaluated: 2020-12-22. Review status: criteria provided, single submitter. Criteria: GeneDx Variant Classification Process June 2021. Collection method: clinical testing. Allele origin: germline. Affected: yes.

PreventionGenetics, part of Exact Sciences
Classification: Likely benign for RAI1-related condition. Last evaluated: 2022-06-30. Review status: no assertion criteria provided. Collection method: clinical testing. Allele origin: germline. Not counted in ClinVar's aggregate classification.
Comment: This variant is classified as likely benign based on ACMG/AMP sequence variant interpretation guidelines (Richards et al. 2015 PMID: 25741868, with internal and published modifications).